The following is an entry in ClinVar:

NM_001614.5(ACTG1):c.985-9T>G

Gene: ACTG1 (actin gamma 1; minus strand). Cytogenetic location: 17q25.3.
Variant type: single nucleotide variant.
Coding change: c.985-9T>G on transcript NM_001614.5 (MANE Select); 9 bases into the intron before coding-DNA position 985, T replaced by G.
Molecular consequence: intron variant.
Genome position (GRCh38, 1-based): chr17:81,510,842, A>C on the plus strand (T>G on the coding strand, the complement: ACTG1 is on the minus strand). VCF-style: chr17-81510842-A-C. GRCh37 (hg19) VCF-style: chr17-79477868-A-C.
Other names: c.985-9T>G (NM_001199954.3).
Identifiers: ClinVar variation 2632228 (VCV002632228.1), dbSNP rs781865448, ClinGen allele CA8835846.

ClinVar aggregate classification (germline): Uncertain significance (1 of 4 stars; one submission).

Conditions:
ACTG1-related disorder. Also called: ACTG1-related condition; ACTG1-related disorders.

Allele frequency attached by ClinVar (database versions not stated): gnomAD exomes below 0.00001; TOPMed below 0.00001; ExAC 0.00001; gnomAD 0.00001.
gnomAD v4.1: 3 of 1,612,788 alleles (0.00019%); highest among the groups gnomAD compares: African/African-American, 0.0013%; no homozygotes.

Submission:

PreventionGenetics, part of Exact Sciences
Classification: Uncertain significance for ACTG1-related condition. Last evaluated: 2023-06-06. Review status: criteria provided, single submitter. Criteria: ACMG Guidelines, 2015. Collection method: clinical testing. Allele origin: germline.
Comment: The ACTG1 c.985-9T>G variant is predicted to interfere with splicing. This variant is predicted to weaken the canonical splice acceptor site (Alamut Visual Plus v1.6.1), although in silico predictions are not equivalent to functional evidence. To our knowledge, this variant has not been reported in the literature. This variant is reported in 0.00088% of alleles in individuals of European (Non-Finnish) descent in gnomAD. At this time, the clinical significance of this variant is uncertain due to the absence of conclusive functional and genetic evidence.